The following is an entry in ClinVar:

NM_002427.4(MMP13):c.347T>A (p.Met116Lys)

Genes: MMP13 (matrix metallopeptidase 13; minus strand), LOC126861318 (BRD4-independent group 4 enhancer GRCh37_chr11:102825894-102827093; plus strand). Cytogenetic location: 11q22.2.
Variant type: single nucleotide variant.
Coding change: c.347T>A on transcript NM_002427.4 (MANE Select); coding-DNA position 347, T replaced by A.
Protein change: p.Met116Lys; replaces methionine 116 with lysine.
Molecular consequence: missense variant.
Genome position (GRCh38, 1-based): chr11:102,955,267, A>T on the plus strand (T>A on the coding strand, the complement: MMP13 is on the minus strand). VCF-style: chr11-102955267-A-T. GRCh37 (hg19) VCF-style: chr11-102825996-A-T.
Other names: short protein forms M116K.
Identifiers: ClinVar variation 1495945 (VCV001495945.8), dbSNP rs1052240622, ClinGen allele CA227376716.

ClinVar aggregate classification (germline): Uncertain significance (1 of 4 stars; one submission).

Allele frequency attached by ClinVar (database versions not stated): gnomAD exomes below 0.00001.

Submission:

Labcorp Genetics (formerly Invitae), Labcorp
Classification: Uncertain significance. Last evaluated: 2024-10-23. Review status: criteria provided, single submitter. Criteria: Invitae Variant Classification Sherloc (09022015). Collection method: clinical testing. Allele origin: germline.
Comment: This sequence change replaces methionine, which is neutral and non-polar, with lysine, which is basic and polar, at codon 116 of the MMP13 protein (p.Met116Lys). This variant is not present in population databases (gnomAD no frequency). This variant has not been reported in the literature in individuals affected with MMP13-related conditions. ClinVar contains an entry for this variant (Variation ID: 1495945). Invitae Evidence Modeling of protein sequence and biophysical properties (such as structural, functional, and spatial information, amino acid conservation, physicochemical variation, residue mobility, and thermodynamic stability) indicates that this missense variant is not expected to disrupt MMP13 protein function with a negative predictive value of 80%. In summary, the available evidence is currently insufficient to determine the role of this variant in disease. Therefore, it has been classified as a Variant of Uncertain Significance.